The following is an entry in ClinVar:

ClinVar aggregate classification (germline): Uncertain significance. Review status: criteria provided, multiple submitters, no conflicts (2 of 4 stars). 5 submissions from 5 submitters: Uncertain significance (4). 1 of the submissions does not count toward it. Last evaluated 2023-03-06.

Conditions:
Inborn genetic diseases. Identifiers: MedGen C0950123, MeSH D030342.
Methylcobalamin deficiency type cblE (HMAE). Also called: HOMOCYSTINURIA-MEGALOBLASTIC ANEMIA, cblE TYPE; VITAMIN B12-RESPONSIVE HOMOCYSTINURIA, cblE TYPE; HOMOCYSTINURIA-MEGALOBLASTIC ANEMIA, cblE COMPLEMENTATION TYPE. Identifiers: Orphanet 2169, Orphanet 622, MedGen C1856057, MONDO:0009354, OMIM 236270.

Allele frequency attached by ClinVar (database versions not stated): gnomAD 0.00023; ESP Exome Variant Server 0.00031; gnomAD exomes 0.00031; ExAC 0.00032; TOPMed 0.00039; 1000 Genomes Project 30x 0.00078; 1000 Genomes Project 0.00080.
gnomAD v4.1: 492 of 1,613,722 alleles (0.03%); highest among the groups gnomAD compares: Admixed American, 0.055%; 1 homozygote.

Submissions (5):

Ambry Genetics
Classification: Uncertain significance for Inborn genetic diseases. Last evaluated: 2023-03-06. Review status: criteria provided, single submitter. Criteria: Ambry Variant Classification Scheme 2023. Collection method: clinical testing. Allele origin: germline.

Labcorp Genetics (formerly Invitae), Labcorp
Classification: Uncertain significance for Methylcobalamin deficiency type cblE. Last evaluated: 2022-08-31. Review status: criteria provided, single submitter. Criteria: Invitae Variant Classification Sherloc (09022015). Collection method: clinical testing. Allele origin: germline.
Comment: This sequence change replaces arginine, which is basic and polar, with cysteine, which is neutral and slightly polar, at codon 691 of the MTRR protein (p.Arg691Cys). This variant is present in population databases (rs148414435, gnomAD 0.04%). This variant has not been reported in the literature in individuals affected with MTRR-related conditions. ClinVar contains an entry for this variant (Variation ID: 194496). Algorithms developed to predict the effect of missense changes on protein structure and function are either unavailable or do not agree on the potential impact of this missense change (SIFT: "Deleterious"; PolyPhen-2: "Probably Damaging"; Align-GVGD: "Class C0"). In summary, the available evidence is currently insufficient to determine the role of this variant in disease. Therefore, it has been classified as a Variant of Uncertain Significance.

GeneDx
Classification: Uncertain significance. Last evaluated: 2019-07-03. Review status: criteria provided, single submitter. Criteria: GeneDx Variant Classification Process June 2021. Collection method: clinical testing. Allele origin: germline. Affected: yes.
Comment: In silico analysis, which includes protein predictors and evolutionary conservation, supports a deleterious effect; Has not been previously published as pathogenic or benign to our knowledge

Eurofins Ntd Llc (ga)
Classification: Uncertain significance. Last evaluated: 2015-01-26. Review status: criteria provided, single submitter. Criteria: EGL Classification Definitions 2015. Collection method: clinical testing. Allele origin: germline. Observed: 1 variant allele, 1 heterozygote.

Natera, Inc.
Classification: Uncertain significance for CblE complementation type homocystinuria-megaloblastic anemia due to defect in cobalamin metabolism. Last evaluated: 2020-01-17. Review status: no assertion criteria provided. Collection method: clinical testing. Allele origin: germline. Not counted in ClinVar's aggregate classification.

NM_002454.3(MTRR):c.2071C>T (p.Arg691Cys)

Gene: MTRR (5-methyltetrahydrofolate-homocysteine methyltransferase reductase; plus strand). Cytogenetic location: 5p15.31.
Variant type: single nucleotide variant.
Coding change: c.2071C>T on transcript NM_002454.3 (MANE Select); coding-DNA position 2071, C replaced by T.
Protein change: p.Arg691Cys; replaces arginine 691 with cysteine.
Molecular consequence: missense variant. On other transcripts: non-coding transcript variant (14).
Genome position (GRCh38, 1-based): chr5:7,900,032, C>T. VCF-style: chr5-7900032-C-T. GRCh37 (hg19) VCF-style: chr5-7900145-C-T.
Other names: c.2071C>T, p.Arg691Cys (NM_001364440.2, NM_001364441.2, NM_001364442.2 and 1 more transcripts); short protein forms R691C.
Identifiers: ClinVar variation 194496 (VCV000194496.17), dbSNP rs148414435, ClinGen allele CA240502.